The following is an entry in ClinVar:

ClinVar aggregate classification (germline): Uncertain significance (1 of 4 stars; one submission).

gnomAD v4.1: 2 of 1,614,154 alleles (0.00012%); highest among the groups gnomAD compares: Admixed American, 0.0017%; no homozygotes.

Submission:

Labcorp Genetics (formerly Invitae), Labcorp
Classification: Uncertain significance. Last evaluated: 2024-11-08. Review status: criteria provided, single submitter. Criteria: Invitae Variant Classification Sherloc (09022015). Collection method: clinical testing. Allele origin: germline.
Comment: This sequence change replaces threonine, which is neutral and polar, with isoleucine, which is neutral and non-polar, at codon 295 of the ADIPOR1 protein (p.Thr295Ile). This variant is present in population databases (rs757727437, gnomAD 0.003%). This variant has not been reported in the literature in individuals affected with ADIPOR1-related conditions. An algorithm developed to predict the effect of missense changes on protein structure and function (PolyPhen-2) suggests that this variant is likely to be tolerated. In summary, the available evidence is currently insufficient to determine the role of this variant in disease. Therefore, it has been classified as a Variant of Uncertain Significance.

NM_015999.6(ADIPOR1):c.884C>T (p.Thr295Ile)

Gene: ADIPOR1 (adiponectin receptor 1; minus strand). Cytogenetic location: 1q32.1.
Variant type: single nucleotide variant.
Coding change: c.884C>T on transcript NM_015999.6 (MANE Select); coding-DNA position 884, C replaced by T.
Protein change: p.Thr295Ile; replaces threonine 295 with isoleucine.
Molecular consequence: missense variant.
Genome position (GRCh38, 1-based): chr1:202,942,140, G>A on the plus strand (C>T on the coding strand, the complement: ADIPOR1 is on the minus strand). VCF-style: chr1-202942140-G-A. GRCh37 (hg19) VCF-style: chr1-202911268-G-A.
Other names: c.884C>T, p.Thr295Ile (NM_001290553.2, NM_001290557.1, NM_001290629.1); short protein forms T295I.
Identifiers: ClinVar variation 3680451 (VCV003680451.2).